The following is an entry in ClinVar:

ClinVar aggregate classification (germline): Benign/Likely benign. Review status: criteria provided, multiple submitters, no conflicts (2 of 4 stars). 7 submissions from 7 submitters: Benign (3); Likely benign (4). Last evaluated 2026-01-26.

Conditions:
Cystinuria (CSNU). Also called: CYSTINURIA, TYPE I; CYSTINURIA, TYPE II; CYSTINURIA, TYPE III; Cystinuria, non-type I. Identifiers: Orphanet 214, MedGen C0010691, MONDO:0009067, OMIM 220100, HP:0003131.

Allele frequency attached by ClinVar (database versions not stated): ExAC 0.00210; 1000 Genomes Project 0.00419; 1000 Genomes Project 30x 0.00484; gnomAD 0.00594 and 0.00651; TOPMed 0.00654; ESP Exome Variant Server 0.00761.
gnomAD v4.1: 1,850 of 1,613,974 alleles (0.11%); highest among the groups gnomAD compares: African/African-American, 2.2%; 20 homozygotes.

Submissions (9):

Labcorp Genetics (formerly Invitae), Labcorp
Classification: Benign for Cystinuria. Last evaluated: 2026-01-26. Review status: criteria provided, single submitter. Criteria: Invitae Variant Classification Sherloc (09022015). Collection method: clinical testing. Allele origin: germline.

Genomic Medicine Center of Excellence, King Faisal Specialist Hospital and Research Centre
Classification: Likely benign. Last evaluated: 2025-08-18. Review status: criteria provided, single submitter. Criteria: ACMG Guidelines, 2015. Collection method: clinical testing. Allele origin: germline.

Mayo Clinic Laboratories, Mayo Clinic
Classification: Benign. Last evaluated: 2024-09-17. Review status: criteria provided, single submitter. Criteria: ACMG Guidelines, 2015. Collection method: clinical testing. Allele origin: germline. Observed: 3 variant alleles.
Comment: BS1, BS2, BP7

Fulgent Genetics
Classification: Likely benign for Cystinuria. Last evaluated: 2021-07-29. Review status: criteria provided, single submitter. Criteria: ACMG Guidelines, 2015. Collection method: clinical testing. Allele origin: unknown.

ARUP Laboratories, Molecular Genetics and Genomics, ARUP Laboratories
Classification: Benign for Cystinuria. Last evaluated: 2018-07-12. Review status: criteria provided, single submitter. Criteria: ARUP Molecular Germline Variant Investigation Process. Collection method: clinical testing. Allele origin: germline.

Illumina Laboratory Services, Illumina
Classification: Likely benign for Cystinuria. Last evaluated: 2018-01-12. Review status: criteria provided, single submitter. Criteria: ICSL Variant Classification Criteria 13 December 2019. Collection method: clinical testing. Allele origin: germline.
Comment: This variant was observed in the ICSL laboratory as part of a predisposition screen in an ostensibly healthy population. It had not been previously curated by ICSL or reported in the Human Gene Mutation Database (HGMD: prior to June 1st, 2018), and was therefore a candidate for classification through an automated scoring system. Utilizing variant allele frequency, disease prevalence and penetrance estimates, and inheritance mode, an automated score was calculated to assess if this variant is too frequent to cause the disease. Based on the score and internal cut-off values, a variant classified as likely benign is not then subjected to further curation. The score for this variant resulted in a classification of likely benign for this disease.

Breakthrough Genomics
Classification: Likely benign. Review status: criteria provided, single submitter. Criteria: ACMG Guidelines, 2015. Collection method: not provided. Allele origin: germline. Inheritance: Autosomal dominant inheritance. Affected: yes.

Dr. Peter K. Rogan Lab, Western University
No classification provided (evidence only). Condition: Acute myeloid leukemia. Review status: no classification provided. Collection method: in vitro. Allele origin: not applicable. Functional consequence: retained intron. Not counted in ClinVar's aggregate classification.

Dr. Peter K. Rogan Lab, Western University
No classification provided (evidence only). Condition: Acute myeloid leukemia. Review status: no classification provided. Collection method: in vitro. Allele origin: not applicable. Functional consequence: retained intron. Not counted in ClinVar's aggregate classification.

NM_000341.4(SLC3A1):c.892-6C>G

Gene: SLC3A1 (solute carrier family 3 member 1; plus strand). Cytogenetic location: 2p21.
Variant type: single nucleotide variant.
Coding change: c.892-6C>G on transcript NM_000341.4 (MANE Select); 6 bases into the intron before coding-DNA position 892, C replaced by G.
Molecular consequence: intron variant.
Genome position (GRCh38, 1-based): chr2:44,299,965, C>G. VCF-style: chr2-44299965-C-G. GRCh37 (hg19) VCF-style: chr2-44527104-C-G.
Other names: p.?.
Identifiers: ClinVar variation 336196 (VCV000336196.26), dbSNP rs114640930, ClinGen allele CA1640325.